The following is an entry in ClinVar:

NM_004380.3(CREBBP):c.1732C>T (p.Pro578Ser)

Genes: CREBBP (CREB binding lysine acetyltransferase; minus strand), LOC130058353 (ATAC-STARR-seq lymphoblastoid active region 10333; plus strand). Cytogenetic location: 16p13.3.
Variant type: single nucleotide variant.
Coding change: c.1732C>T on transcript NM_004380.3 (MANE Select); coding-DNA position 1732, C replaced by T.
Protein change: p.Pro578Ser; replaces proline 578 with serine.
Molecular consequence: missense variant.
Genome position (GRCh38, 1-based): chr16:3,780,823, G>A on the plus strand (C>T on the coding strand, the complement: CREBBP is on the minus strand). VCF-style: chr16-3780823-G-A. GRCh37 (hg19) VCF-style: chr16-3830824-G-A.
Other names: c.1618C>T, p.Pro540Ser (NM_001079846.1); short protein forms P578S, P540S.
Identifiers: ClinVar variation 166965 (VCV000166965.53), dbSNP rs148023511, ClinGen allele CA233869.

ClinVar aggregate classification (germline): Conflicting classifications of pathogenicity. Review status: criteria provided, conflicting classifications (1 of 4 stars). 6 submissions from 6 submitters: Uncertain significance (2); Likely benign (3). 1 of the submissions does not count toward it. Last evaluated 2025-04-08.

Conditions:
CREBBP-related disorder. Also called: CREBBP-related disorders; CREBBP-related condition.
Rubinstein-Taybi syndrome (RSTS). Identifiers: Orphanet 783, MedGen C0035934, MONDO:0019188.
Inborn genetic diseases. Identifiers: MedGen C0950123, MeSH D030342.
Rubinstein-Taybi syndrome due to CREBBP mutations (RSTS1). Also called: Rubinstein-Taybi syndrome 1; BROAD THUMB-HALLUX SYNDROME; BROAD THUMBS AND GREAT TOES, CHARACTERISTIC FACIES, AND IMPAIRED INTELLECTUAL DEVELOPMENT; RUBINSTEIN-TAYBI SYNDROME 1, INCOMPLETE; CREBBP-Related Rubinstein-Taybi Syndrome; RUBINSTEIN SYNDROME. Identifiers: Orphanet 353277, Orphanet 783, MedGen C4551859, MONDO:0008393, OMIM 180849.

Allele frequency attached by ClinVar (database versions not stated): gnomAD exomes 0.00003; ExAC 0.00004; ESP Exome Variant Server 0.00031; gnomAD 0.00006 and 0.00007; TOPMed 0.00007.
gnomAD v4.1: 166 of 1,613,798 alleles (0.01%); highest among the groups gnomAD compares: Non-Finnish European, 0.013%; no homozygotes.

Submissions (6):

Labcorp Genetics (formerly Invitae), Labcorp
Classification: Likely benign for Rubinstein-Taybi syndrome. Last evaluated: 2025-04-08. Review status: criteria provided, single submitter. Criteria: Invitae Variant Classification Sherloc (09022015). Collection method: clinical testing. Allele origin: germline.

Blueprint Genetics
Classification: Likely benign. Last evaluated: 2023-03-03. Review status: criteria provided, single submitter. Criteria: ACMG Guidelines, 2015. Collection method: clinical testing. Allele origin: germline.

Fulgent Genetics
Classification: Uncertain significance for Rubinstein-Taybi syndrome due to CREBBP mutations. Last evaluated: 2018-10-31. Review status: criteria provided, single submitter. Criteria: ACMG Guidelines, 2015. Collection method: clinical testing. Allele origin: unknown.

Ambry Genetics
Classification: Likely benign for Inborn genetic diseases. Last evaluated: 2017-11-30. Review status: criteria provided, single submitter. Criteria: Ambry Variant Classification Scheme 2023. Collection method: clinical testing. Allele origin: germline.

Eurofins Ntd Llc (ga)
Classification: Uncertain significance. Last evaluated: 2013-12-18. Review status: criteria provided, single submitter. Criteria: EGL Classification Definitions 2015. Collection method: clinical testing. Allele origin: germline. Observed: 1 variant allele, 1 heterozygote.

PreventionGenetics, part of Exact Sciences
Classification: Benign for CREBBP-related condition. Last evaluated: 2024-03-11. Review status: no assertion criteria provided. Collection method: clinical testing. Allele origin: germline. Not counted in ClinVar's aggregate classification.
Comment: This variant is classified as benign based on ACMG/AMP sequence variant interpretation guidelines (Richards et al. 2015 PMID: 25741868, with internal and published modifications).